The following is an entry in ClinVar:

ClinVar aggregate classification (germline): Uncertain significance. Review status: criteria provided, multiple submitters, no conflicts (2 of 4 stars). 3 submissions from 3 submitters: Uncertain significance (3). Last evaluated 2024-08-29.

Conditions:
Hereditary cancer-predisposing syndrome. Also called: Neoplastic Syndromes, Hereditary; Tumor predisposition; Hereditary neoplastic syndrome; Hereditary Cancer Syndrome. Identifiers: Orphanet 140162, MedGen C0027672, MeSH D009386, MONDO:0015356.
Lynch syndrome 4 (LYNCH4). Also called: Colorectal cancer, hereditary nonpolyposis, type 4; Hereditary non-polyposis colorectal cancer, type 4. Identifiers: Orphanet 144, MedGen C1838333, MONDO:0013699, OMIM 614337. Disease mechanism: loss of function.
Hereditary nonpolyposis colorectal neoplasms. Identifiers: MedGen C0009405, MeSH D003123.

Submissions (3):

Labcorp Genetics (formerly Invitae), Labcorp
Classification: Uncertain significance for Hereditary nonpolyposis colorectal neoplasms. Last evaluated: 2024-08-29. Review status: criteria provided, single submitter. Criteria: Invitae Variant Classification Sherloc (09022015). Collection method: clinical testing. Allele origin: germline.
Comment: This sequence change replaces proline, which is neutral and non-polar, with threonine, which is neutral and polar, at codon 299 of the PMS2 protein (p.Pro299Thr). This variant is not present in population databases (gnomAD no frequency). This variant has not been reported in the literature in individuals affected with PMS2-related conditions. ClinVar contains an entry for this variant (Variation ID: 578469). Invitae Evidence Modeling of protein sequence and biophysical properties (such as structural, functional, and spatial information, amino acid conservation, physicochemical variation, residue mobility, and thermodynamic stability) indicates that this missense variant is expected to disrupt PMS2 protein function with a positive predictive value of 80%. In summary, the available evidence is currently insufficient to determine the role of this variant in disease. Therefore, it has been classified as a Variant of Uncertain Significance.

Baylor Genetics
Classification: Uncertain significance for Lynch syndrome 4. Last evaluated: 2023-05-26. Review status: criteria provided, single submitter. Criteria: ACMG Guidelines, 2015. Collection method: clinical testing. Allele origin: unknown.

Ambry Genetics
Classification: Uncertain significance for Hereditary cancer-predisposing syndrome. Last evaluated: 2019-05-23. Review status: criteria provided, single submitter. Criteria: Ambry Variant Classification Scheme 2023. Collection method: clinical testing. Allele origin: germline.
Comment: The p.P299T variant (also known as c.895C>A), located in coding exon 8 of the PMS2 gene, results from a C to A substitution at nucleotide position 895. The proline at codon 299 is replaced by threonine, an amino acid with highly similar properties. This amino acid position is highly conserved in available vertebrate species. In addition, this alteration is predicted to be deleterious by in silico analysis. Since supporting evidence is limited at this time, the clinical significance of this alteration remains unclear.

NM_000535.7(PMS2):c.895C>A (p.Pro299Thr)

Gene: PMS2 (PMS1 homolog 2, mismatch repair system component; minus strand). Cytogenetic location: 7p22.1.
Variant type: single nucleotide variant.
Coding change: c.895C>A on transcript NM_000535.7 (MANE Select); coding-DNA position 895, C replaced by A.
Protein change: p.Pro299Thr; replaces proline 299 with threonine.
Molecular consequence: missense variant. On other transcripts: 5 prime UTR variant (2), non-coding transcript variant (1).
Genome position (GRCh38, 1-based): chr7:5,995,542, G>T on the plus strand (C>A on the coding strand, the complement: PMS2 is on the minus strand). VCF-style: chr7-5995542-G-T. GRCh37 (hg19) VCF-style: chr7-6035173-G-T.
Other names: c.490C>A, p.Pro164Thr (NM_001322003.2, NM_001322004.2, NM_001322005.2 and 2 more transcripts); c.895C>A, p.Pro299Thr (NM_001322006.2, NM_001322014.2); c.577C>A, p.Pro193Thr (NM_001322007.2, NM_001322008.2); c.-39C>A (NM_001322011.2, NM_001322012.2); c.322C>A, p.Pro108Thr (NM_001322013.2); c.586C>A, p.Pro196Thr (NM_001322015.2); short protein forms P299T, P196T, P164T, P108T, P193T.
Identifiers: ClinVar variation 578469 (VCV000578469.14), dbSNP rs1562663421, ClinGen allele CA366743411.